The following is an entry in ClinVar:

ClinVar aggregate classification (germline): Pathogenic (1 of 4 stars; one submission).

Conditions:
Cone dystrophy 3 (COD3). Also called: RETINAL CONE DYSTROPHY. Identifiers: Orphanet 1872, MedGen C1865869, MONDO:0011193, OMIM 602093.

Submission:

3billion
Classification: Pathogenic for Cone dystrophy 3. Last evaluated: 2024-08-12. Review status: criteria provided, single submitter. Criteria: ACMG Guidelines, 2015. Collection method: clinical testing. Allele origin: germline. Affected: yes.
Comment: The variant is not observed in the gnomAD v4.0.0 dataset. Predicted Consequence/Location: Missense changes are a common disease-causing mechanism. In silico tool predictions suggest damaging effect of the variant on gene or gene product [REVEL: 0.75 (>=0.6, sensitivity 0.68 and specificity 0.92); 3Cnet: 0.99 (>=0.6, sensitivity 0.72 and precision 0.9)]. The different nucleotide change resulting in the same amino acid change has been previously reported as pathogenic/likely pathogenic with strong evidence (ClinVar ID: VCV000974933 /PMID: 19459154). A different missense change at the same codon (p.Asp100Gly) has been reported as pathogenic/likely pathogenic with strong evidence (ClinVar ID: VCV000867021 /PMID: 24352742). Therefore, this variant is classified as Pathogenic according to the recommendation of ACMG/AMP guideline.

Literature cited by the submitters: PubMed 19459154; PubMed 24352742.

NM_001384910.1(GUCA1A):c.300T>G (p.Asp100Glu)

Genes: GUCA1A (guanylate cyclase activator 1A; plus strand), GUCA1ANB-GUCA1A (GUCA1ANB-GUCA1A readthrough; plus strand). Cytogenetic location: 6p21.1.
Variant type: single nucleotide variant.
Coding change: c.300T>G on transcript NM_001384910.1 (MANE Select); coding-DNA position 300, T replaced by G.
Protein change: p.Asp100Glu; replaces aspartic acid 100 with glutamic acid.
Molecular consequence: missense variant.
Genome position (GRCh38, 1-based): chr6:42,178,378, T>G. VCF-style: chr6-42178378-T-G. GRCh37 (hg19) VCF-style: chr6-42146116-T-G.
Other names: c.300T>G, p.Asp100Glu (NM_000409.5, NM_001319061.2, NM_001319062.2); short protein forms D100E.
Identifiers: ClinVar variation 4293408 (VCV004293408.1).